The following is an entry in ClinVar:

ClinVar aggregate classification (germline): Uncertain significance. Review status: criteria provided, multiple submitters, no conflicts (2 of 4 stars). 2 submissions from 2 submitters: Uncertain significance (2). Last evaluated 2022-03-05.

Conditions:
Mosaic variegated aneuploidy syndrome 1 (MVA1). Also called: Warburton-Anyane-Yeboa syndrome. Identifiers: Orphanet 1052, MedGen C1850343, MONDO:0009759, OMIM 257300.
Inborn genetic diseases. Identifiers: MedGen C0950123, MeSH D030342.

gnomAD v4.1: 1 of 1,614,120 alleles (0.000062%); highest among the groups gnomAD compares: South Asian, 0.0011%; no homozygotes.

Submissions (2):

Labcorp Genetics (formerly Invitae), Labcorp
Classification: Uncertain significance for Mosaic variegated aneuploidy syndrome 1. Last evaluated: 2022-03-05. Review status: criteria provided, single submitter. Criteria: Invitae Variant Classification Sherloc (09022015). Collection method: clinical testing. Allele origin: germline.
Comment: ClinVar contains an entry for this variant (Variation ID: 1026034). This variant has not been reported in the literature in individuals affected with BUB1B-related conditions. This variant is present in population databases (no rsID available, gnomAD 0.003%). This sequence change replaces glutamine, which is neutral and polar, with arginine, which is basic and polar, at codon 153 of the BUB1B protein (p.Gln153Arg). Algorithms developed to predict the effect of missense changes on protein structure and function are either unavailable or do not agree on the potential impact of this missense change (SIFT: "Tolerated"; PolyPhen-2: "Probably Damaging"; Align-GVGD: "Class C0"). In summary, the available evidence is currently insufficient to determine the role of this variant in disease. Therefore, it has been classified as a Variant of Uncertain Significance.

Ambry Genetics
Classification: Uncertain significance for Inborn genetic diseases. Last evaluated: 2021-08-05. Review status: criteria provided, single submitter. Criteria: Ambry Variant Classification Scheme 2023. Collection method: clinical testing. Allele origin: germline.
Comment: The p.Q153R variant (also known as c.458A>G), located in coding exon 5 of the BUB1B gene, results from an A to G substitution at nucleotide position 458. The glutamine at codon 153 is replaced by arginine, an amino acid with highly similar properties. This amino acid position is conserved. In addition, this alteration is predicted to be tolerated by in silico analysis. Since supporting evidence is limited at this time, the clinical significance of this alteration remains unclear.

NM_001211.6(BUB1B):c.458A>G (p.Gln153Arg)

Gene: BUB1B (BUB1 mitotic checkpoint serine/threonine kinase B; plus strand). Cytogenetic location: 15q15.1.
Variant type: single nucleotide variant.
Coding change: c.458A>G on transcript NM_001211.6 (MANE Select); coding-DNA position 458, A replaced by G.
Protein change: p.Gln153Arg; replaces glutamine 153 with arginine.
Molecular consequence: missense variant.
Genome position (GRCh38, 1-based): chr15:40,176,550, A>G. VCF-style: chr15-40176550-A-G. GRCh37 (hg19) VCF-style: chr15-40468751-A-G.
Other names: short protein forms Q153R.
Identifiers: ClinVar variation 1026034 (VCV001026034.12), dbSNP rs776363221, ClinGen allele CA391681201.